The following is an entry in ClinVar:

NM_001048174.2(MUTYH):c.1227G>A (p.Arg409=)

Gene: MUTYH (mutY DNA glycosylase; minus strand). Cytogenetic location: 1p34.1.
Variant type: single nucleotide variant.
Coding change: c.1227G>A on transcript NM_001048174.2 (MANE Select); coding-DNA position 1227, G replaced by A.
Protein change: p.Arg409=; no amino-acid change (arginine 409 retained).
Molecular consequence: synonymous variant. On other transcripts: non-coding transcript variant (2).
Genome position (GRCh38, 1-based): chr1:45,331,432, C>T on the plus strand (G>A on the coding strand, the complement: MUTYH is on the minus strand). VCF-style: chr1-45331432-C-T. GRCh37 (hg19) VCF-style: chr1-45797104-C-T.
Other names: c.1227G>A, p.Arg409= (NM_001048171.2, NM_001048173.2, NM_001293195.2); c.1230G>A, p.Arg410= (NM_001048172.2); c.1311G>A, p.Arg437= (NM_001128425.2); c.1272G>A, p.Arg424= (NM_001293190.2); c.1260G>A, p.Arg420= (NM_001293191.2); c.951G>A, p.Arg317= (NM_001293192.2, NM_001293196.2); c.882G>A, p.Arg294= (NM_001350650.2, NM_001350651.2); c.1302G>A, p.Arg434= (NM_012222.3).
Identifiers: ClinVar variation 233326 (VCV000233326.21), dbSNP rs199575659, ClinGen allele CA055942.

ClinVar aggregate classification (germline): Conflicting classifications of pathogenicity. Review status: criteria provided, conflicting classifications (1 of 4 stars). 8 submissions from 8 submitters: Uncertain significance (1); Likely benign (6). 1 of the submissions does not count toward it. Last evaluated 2025-12-01.

Conditions:
Hereditary cancer-predisposing syndrome. Also called: Tumor predisposition; Hereditary Cancer Syndrome; Neoplastic Syndromes, Hereditary; Hereditary neoplastic syndrome. Identifiers: Orphanet 140162, MedGen C0027672, MeSH D009386, MONDO:0015356.
Familial adenomatous polyposis 2. Also called: MYH-associated polyposis; FAP type 2; ADENOMAS, MULTIPLE COLORECTAL, AUTOSOMAL RECESSIVE; MUTYH Polyposis; MUTYH-associated polyposis; MUTYH-related attenuated familial adenomatous polyposis. Identifiers: Orphanet 220460, Orphanet 247798, MedGen C3272841, MONDO:0012041, OMIM 608456.

Allele frequency attached by ClinVar (database versions not stated): gnomAD 0.00001; gnomAD exomes 0.00001; ExAC 0.00002; 1000 Genomes Project 0.00020; 1000 Genomes Project 30x 0.00031.
gnomAD v4.1: 15 of 1,614,250 alleles (0.00093%); highest among the groups gnomAD compares: East Asian, 0.0067%; no homozygotes.

Submissions (8):

Labcorp Genetics (formerly Invitae), Labcorp
Classification: Likely benign for Familial adenomatous polyposis 2. Last evaluated: 2025-12-01. Review status: criteria provided, single submitter. Criteria: Invitae Variant Classification Sherloc (09022015). Collection method: clinical testing. Allele origin: germline.

Quest Diagnostics Nichols Institute San Juan Capistrano
Classification: Uncertain significance. Last evaluated: 2024-01-26. Review status: criteria provided, single submitter. Criteria: Quest Diagnostics criteria. Collection method: clinical testing. Allele origin: unknown.
Comment: The MUTYH c.1311G>A (p.Arg437=) synonymous variant has not been reported in individuals with MUTYH-related conditions in the published literature. The frequency of this variant in the general population, 0.000012 (3/251374 chromosomes (Genome Aggregation Database)), is uninformative in the assessment of its pathogenicity. Analysis of this variant using software algorithms for the prediction of the effect of nucleotide changes on splicing yielded predictions that this variant does not affect MUTYH mRNA splicing. Based on the available information, we are unable to determine the clinical significance of this variant.

All of Us Research Program, National Institutes of Health
Classification: Likely benign for Familial adenomatous polyposis 2. Last evaluated: 2023-10-02. Review status: criteria provided, single submitter. Criteria: ACMG Guidelines, 2015. Collection method: clinical testing. Allele origin: germline. Inheritance: Autosomal recessive inheritance. Observed: 2 variant alleles, 2 heterozygotes.
Comment: This study involves interpretation of variants in research participants for the purpose of population health screening. Participant phenotype was not available at the time of variant classification. Additional details can be found in publication PMID: 35346344, PMCID: PMC8962531

Mendelics
Classification: Likely benign for Familial adenomatous polyposis 2. Last evaluated: 2019-05-28. Review status: criteria provided, single submitter. Criteria: Mendelics Assertion Criteria 2017. Collection method: clinical testing. Allele origin: unknown.

GeneDx
Classification: Likely benign. Last evaluated: 2017-07-26. Review status: criteria provided, single submitter. Criteria: GeneDx Variant Classification (06012015). Collection method: clinical testing. Allele origin: germline. Affected: yes.
Comment: This variant is considered likely benign or benign based on one or more of the following criteria: it is a conservative change, it occurs at a poorly conserved position in the protein, it is predicted to be benign by multiple in silico algorithms, and/or has population frequency not consistent with disease.

Color Diagnostics, LLC DBA Color Health
Classification: Likely benign for Hereditary cancer-predisposing syndrome. Last evaluated: 2016-11-22. Review status: criteria provided, single submitter. Criteria: ACMG Guidelines, 2015. Collection method: clinical testing. Allele origin: germline.

Ambry Genetics
Classification: Likely benign for Hereditary cancer-predisposing syndrome. Last evaluated: 2015-07-28. Review status: criteria provided, single submitter. Criteria: Ambry Variant Classification Scheme 2023. Collection method: clinical testing. Allele origin: germline.

Counsyl
Classification: Likely benign for Familial adenomatous polyposis 2. Last evaluated: 2017-09-21. Review status: no assertion criteria provided. Collection method: clinical testing. Allele origin: unknown. Not counted in ClinVar's aggregate classification.

Literature cited by the submitters: PubMed 17931073 (cited by Ambry Genetics); PubMed 15943555 (cited by Counsyl).